The following is an entry in ClinVar:

ClinVar aggregate classification (germline): Uncertain significance (1 of 4 stars; one submission).

gnomAD v4.1: 4 of 1,614,016 alleles (0.00025%); highest among the groups gnomAD compares: Non-Finnish European, 0.00034%; no homozygotes.

Submission:

Ambry Genetics
Classification: Uncertain significance. Last evaluated: 2025-10-05. Review status: criteria provided, single submitter. Criteria: Ambry Variant Classification Scheme 2023. Collection method: clinical testing. Allele origin: germline.
Comment: The p.K263N variant (also known as c.789G>T), located in coding exon 1 of the MLH3 gene, results from a G to T substitution at nucleotide position 789. The lysine at codon 263 is replaced by asparagine, an amino acid with similar properties. This amino acid position is conserved. In addition, this alteration is predicted to be tolerated by in silico analysis. Since supporting evidence is limited at this time, the clinical significance of this alteration remains unclear.

NM_001040108.2(MLH3):c.789G>T (p.Lys263Asn)

Gene: MLH3 (mutL homolog 3; minus strand). Cytogenetic location: 14q24.3.
Variant type: single nucleotide variant.
Coding change: c.789G>T on transcript NM_001040108.2 (MANE Select); coding-DNA position 789, G replaced by T.
Protein change: p.Lys263Asn; replaces lysine 263 with asparagine.
Molecular consequence: missense variant.
Genome position (GRCh38, 1-based): chr14:75,048,867, C>A on the plus strand (G>T on the coding strand, the complement: MLH3 is on the minus strand). VCF-style: chr14-75048867-C-A. GRCh37 (hg19) VCF-style: chr14-75515570-C-A.
Other names: c.789G>T, p.Lys263Asn (NM_014381.3); short protein forms K263N.
Identifiers: ClinVar variation 3232597 (VCV003232597.2), dbSNP rs2503316746, ClinGen allele CA390449062.